The following is an entry in ClinVar:

NM_001130987.2(DYSF):c.6259ATCCTCTTCATC[1] (p.2087ILFI[1])

Gene: DYSF (dysferlin; plus strand). Cytogenetic location: 2p13.2.
Variant type: Microsatellite.
Coding change: c.6259ATCCTCTTCATC[1] on transcript NM_001130987.2 (MANE Select); one copy of the 12-base unit ATCCTCTTCATC starting at c.6259; the reference has two copies in a row; one copy, 12 bases deleted.
Protein change: p.2087ILFI[1].
Molecular consequence: inframe deletion.
Genome position (GRCh38, 1-based): chr2:71,682,627-71,682,638, ATCCTCTTCATC deleted; deleting any 12 consecutive bases within chr2:71,682,611-71,682,638 gives the same sequence; the position shown is the placement nearest the transcript's 3' end. VCF-style (leftmost placement, unchanged base first): chr2-71682610-CCATCATCCTCTT-C. GRCh37 (hg19) VCF-style: chr2-71909740-CCATCATCCTCTT-C.
Other names: c.6154_6165del (NM_003494.3, NM_003494.4); c.6154_6165delATCCTCTTCATC (NM_003494.3); c.6142ATCCTCTTCATC[1], p.2048ILFI[1] (NM_003494.4); c.6238ATCCTCTTCATC[1], p.2080ILFI[1] (NM_001130982.2); c.6208ATCCTCTTCATC[1], p.2070ILFI[1] (NM_001130983.2); c.6166ATCCTCTTCATC[1], p.2056ILFI[1] (NM_001130984.2); c.6196ATCCTCTTCATC[1], p.2066ILFI[1] (NM_001130985.2); c.6103ATCCTCTTCATC[1], p.2035ILFI[1] (NM_001130986.2); and 7 more.
Identifiers: ClinVar variation 550197 (VCV000550197.14), dbSNP rs749619435, ClinGen allele CA1707658.

ClinVar aggregate classification (germline): Uncertain significance. Review status: criteria provided, multiple submitters, no conflicts (2 of 4 stars). 6 submissions from 6 submitters: Uncertain significance (4). 2 of the submissions do not count toward it. Last evaluated 2022-08-19.

Conditions:
Miyoshi muscular dystrophy 1 (MMD1). Identifiers: Orphanet 45448, MedGen C4551973, MONDO:0024545, OMIM 254130.
Autosomal recessive limb-girdle muscular dystrophy type 2B (LGMDR2). Also called: MUSCULAR DYSTROPHY, LIMB-GIRDLE, TYPE 3; MUSCULAR DYSTROPHY, LIMB-GIRDLE, AUTOSOMAL RECESSIVE 2; Limb-Girdle Muscular Dystrophy Type 2B (LGMD2B); Limb-girdle muscular dystrophy, type 2B. Identifiers: Orphanet 268, MedGen C1850889, MONDO:0009676, OMIM 253601.
Distal myopathy with anterior tibial onset. Identifiers: Orphanet 178400, MedGen C1847532, MONDO:0011721, OMIM 606768.
Neuromuscular disease caused by qualitative or quantitative defects of dysferlin. Also called: Qualitative or quantitative defects of dysferlin; Dysferlinopathy. Identifiers: Orphanet 207073, MedGen C2931687, MONDO:0016145.

Submissions (6):

Labcorp Genetics (formerly Invitae), Labcorp
Classification: Uncertain significance for Neuromuscular disease caused by qualitative or quantitative defects of dysferlin. Last evaluated: 2022-08-19. Review status: criteria provided, single submitter. Criteria: Invitae Variant Classification Sherloc (09022015). Collection method: clinical testing. Allele origin: germline.
Comment: This variant, c.6154_6165del, results in the deletion of 4 amino acid(s) of the DYSF protein (p.Ile2052_Ile2055del), but otherwise preserves the integrity of the reading frame. This variant is present in population databases (rs749619435, gnomAD 0.01%). This variant has not been reported in the literature in individuals affected with DYSF-related conditions. ClinVar contains an entry for this variant (Variation ID: 550197). Experimental studies and prediction algorithms are not available or were not evaluated, and the functional significance of this variant is currently unknown. In summary, the available evidence is currently insufficient to determine the role of this variant in disease. Therefore, it has been classified as a Variant of Uncertain Significance.

Fulgent Genetics
Classification: Uncertain significance for Autosomal recessive limb-girdle muscular dystrophy type 2B; Miyoshi muscular dystrophy 1; Distal myopathy with anterior tibial onset. Last evaluated: 2021-07-16. Review status: criteria provided, single submitter. Criteria: ACMG Guidelines, 2015. Collection method: clinical testing. Allele origin: unknown.

GeneDx
Classification: Uncertain significance. Last evaluated: 2020-03-26. Review status: criteria provided, single submitter. Criteria: GeneDx Variant Classification Process June 2021. Collection method: clinical testing. Allele origin: germline. Affected: yes.
Comment: In-frame deletion of 4 amino acids in a non-repeat region; In silico analysis supports a deleterious effect on protein structure/function

Revvity Omics, Revvity
Classification: Uncertain significance. Last evaluated: 2019-09-09. Review status: criteria provided, single submitter. Criteria: ACMG Guidelines, 2015. Collection method: clinical testing. Allele origin: germline.

Natera, Inc.
Classification: Uncertain significance for Limb-girdle muscular dystrophy type 2B. Last evaluated: 2019-10-28. Review status: no assertion criteria provided. Collection method: clinical testing. Allele origin: germline. Not counted in ClinVar's aggregate classification.

Counsyl
Classification: Uncertain significance for Autosomal recessive limb-girdle muscular dystrophy type 2B. Last evaluated: 2016-12-21. Review status: no assertion criteria provided. Collection method: clinical testing. Allele origin: unknown. Not counted in ClinVar's aggregate classification.